The following is an entry in ClinVar:

NM_201384.3(PLEC):c.5170C>T (p.Gln1724Ter)

Gene: PLEC (plectin; minus strand). Cytogenetic location: 8q24.3.
Variant type: single nucleotide variant.
Coding change: c.5170C>T on transcript NM_201384.3 (MANE Select); coding-DNA position 5170, C replaced by T.
Protein change: p.Gln1724Ter; replaces glutamine 1724 with a stop codon.
Molecular consequence: nonsense.
Genome position (GRCh38, 1-based): chr8:143,924,759, G>A on the plus strand (C>T on the coding strand, the complement: PLEC is on the minus strand). VCF-style: chr8-143924759-G-A. GRCh37 (hg19) VCF-style: chr8-144998927-G-A.
Other names: c.5251C>T, p.Gln1751Ter (NM_000445.5); c.5128C>T, p.Gln1710Ter (NM_201378.4); c.5104C>T, p.Gln1702Ter (NM_201379.3); c.5581C>T, p.Gln1861Ter (NM_201380.4); c.5074C>T, p.Gln1692Ter (NM_201381.3); c.5170C>T, p.Gln1724Ter (NM_201382.4); c.5182C>T, p.Gln1728Ter (NM_201383.3); short protein forms Q1710*, Q1724*, Q1861*, Q1751*, Q1692*, Q1702*, Q1728*.
Identifiers: ClinVar variation 1459260 (VCV001459260.6), dbSNP rs2131422085, ClinGen allele CA372549138.

ClinVar aggregate classification (germline): Pathogenic (1 of 4 stars; one submission).

Conditions:
Epidermolysis bullosa simplex with nail dystrophy (EBS5D). Identifiers: MedGen C4225309, MONDO:0014661, OMIM 616487.
Epidermolysis bullosa simplex 5C, with pyloric atresia (EBS5C). Also called: PLEC-Related Epidermolysis Bullosa with Pyloric Atresia; Epidermolysis bullosa simplex with pyloric atresia; PLEC1-Related Epidermolysis Bullosa with Pyloric Atresia. Identifiers: Orphanet 158684, MedGen C2677349, MONDO:0012807, OMIM 612138.
Autosomal recessive limb-girdle muscular dystrophy type 2Q (LGMDR17). Also called: MUSCULAR DYSTROPHY, LIMB-GIRDLE, AUTOSOMAL RECESSIVE 17. Identifiers: Orphanet 254361, MedGen C3150989, MONDO:0013390, OMIM 613723.
Epidermolysis bullosa simplex 5B, with muscular dystrophy (EBS5B). Also called: Epidermolysis bullosa simplex with muscular dystrophy; EPIDERMOLYSIS BULLOSA SIMPLEX AND LIMB-GIRDLE MUSCULAR DYSTROPHY. Identifiers: Orphanet 257, MedGen C2931072, MONDO:0009181, OMIM 226670.
Epidermolysis bullosa simplex, Ogna type (EBS5A). Also called: Pidermolysis bullosa simplex 5A, Ogna type; EPIDERMOLYSIS BULLOSA SIMPLEX 5A, OGNA TYPE. Identifiers: Orphanet 79401, MedGen C0432317, MONDO:0007555, OMIM 131950.

Allele frequency attached by ClinVar (database versions not stated): gnomAD exomes below 0.00001.
gnomAD v4.1: 3 of 1,535,048 alleles (0.0002%); highest among the groups gnomAD compares: Non-Finnish European, 0.00026%; no homozygotes.

Submission:

Labcorp Genetics (formerly Invitae), Labcorp
Classification: Pathogenic for Autosomal recessive limb-girdle muscular dystrophy type 2Q; Epidermolysis bullosa simplex, Ogna type; Epidermolysis bullosa simplex with nail dystrophy; Epidermolysis bullosa simplex 5C, with pyloric atresia; Epidermolysis bullosa simplex 5B, with muscular dystrophy. Last evaluated: 2021-01-26. Review status: criteria provided, single submitter. Criteria: Invitae Variant Classification Sherloc (09022015). Collection method: clinical testing. Allele origin: germline.
Comment: For these reasons, this variant has been classified as Pathogenic. This variant has not been reported in the literature in individuals with PLEC-related conditions. The frequency data for this variant in the population databases is considered unreliable, as metrics indicate insufficient coverage at this position in the ExAC database. This sequence change creates a premature translational stop signal (p.Gln1751*) in the PLEC gene. It is expected to result in an absent or disrupted protein product. Loss-of-function variants in PLEC are known to be pathogenic (PMID: 20301336, 20447487, 21109228, 23289980, 28824526).

Literature cited by the submitters: PubMed 20301336; PubMed 20447487; PubMed 21109228; PubMed 23289980; PubMed 28824526.